The following is an entry in ClinVar:

NM_000565.4(IL6R):c.950-2186T>C

Gene: IL6R (interleukin 6 receptor; plus strand). Cytogenetic location: 1q21.3.
Variant type: single nucleotide variant.
Coding change: c.950-2186T>C on transcript NM_000565.4 (MANE Select); 2186 bases into the intron before coding-DNA position 950, T replaced by C.
Molecular consequence: intron variant.
Genome position (GRCh38, 1-based): chr1:154,445,939, T>C. VCF-style: chr1-154445939-T-C. GRCh37 (hg19) VCF-style: chr1-154418415-T-C.
Other names: c.997+845T>C (NM_001382771.1, NM_001382773.1); c.950-11T>C (NM_001382770.1); c.950-2186T>C (NM_001382769.1, NM_181359.3); c.944-2186T>C (NM_001382772.1); c.590-2186T>C (NM_001382774.1).
Identifiers: ClinVar variation 2687978 (VCV002687978.2), dbSNP rs11265613, ClinGen allele CA10687571.

ClinVar aggregate classification (germline): Benign (1 of 4 stars; one submission).

Allele frequency attached by ClinVar (database versions not stated): 1000 Genomes Project 0.28954; 1000 Genomes Project 30x 0.29388; gnomAD 0.32791; TOPMed 0.34179.
gnomAD v4.1: 49,703 of 150,908 alleles (33%); highest among the groups gnomAD compares: Admixed American, 50%; 9,454 homozygotes.

Submission:

Unidad de Genómica Garrahan, Hospital de Pediatría Garrahan
Classification: Benign. Last evaluated: 2024-01-24. Review status: criteria provided, single submitter. Criteria: ACMG Guidelines, 2015. Collection method: clinical testing. Allele origin: germline. Affected: no. Observed: 77 variant alleles.
Comment: This variant is classified as Benign based on local population frequency. This variant was detected in 81% of patients studied by a panel of primary immunodeficiencies. Number of patients: 77. Only high quality variants are reported.